The following is an entry in ClinVar:

ClinVar aggregate classification (germline): Uncertain significance. Review status: criteria provided, multiple submitters, no conflicts (2 of 4 stars). 2 submissions from 2 submitters: Uncertain significance (2). Last evaluated 2025-04-10.

Allele frequency attached by ClinVar (database versions not stated): gnomAD exomes below 0.00001.

Submissions (2):

Ambry Genetics
Classification: Uncertain significance. Last evaluated: 2025-04-10. Review status: criteria provided, single submitter. Criteria: Ambry Variant Classification Scheme 2023. Collection method: clinical testing. Allele origin: germline.

Labcorp Genetics (formerly Invitae), Labcorp
Classification: Uncertain significance. Last evaluated: 2025-03-31. Review status: criteria provided, single submitter. Criteria: Invitae Variant Classification Sherloc (09022015). Collection method: clinical testing. Allele origin: germline.
Comment: This sequence change replaces methionine, which is neutral and non-polar, with valine, which is neutral and non-polar, at codon 1229 of the NEXMIF protein (p.Met1229Val). This variant is present in population databases (no rsID available, gnomAD 0.009%). This variant has not been reported in the literature in individuals affected with NEXMIF-related conditions. ClinVar contains an entry for this variant (Variation ID: 2112010). An algorithm developed to predict the effect of missense changes on protein structure and function outputs the following: PolyPhen-2: "Benign". The valine amino acid residue is found in multiple mammalian species, which suggests that this missense change does not adversely affect protein function. In summary, the available evidence is currently insufficient to determine the role of this variant in disease. Therefore, it has been classified as a Variant of Uncertain Significance.

NM_001008537.3(NEXMIF):c.3685A>G (p.Met1229Val)

Gene: NEXMIF (neurite extension and migration factor; minus strand). Cytogenetic location: Xq13.3.
Variant type: single nucleotide variant.
Coding change: c.3685A>G on transcript NM_001008537.3 (MANE Select); coding-DNA position 3685, A replaced by G.
Protein change: p.Met1229Val; replaces methionine 1229 with valine.
Molecular consequence: missense variant.
Genome position (GRCh38, 1-based): chrX:74,740,872, T>C on the plus strand (A>G on the coding strand, the complement: NEXMIF is on the minus strand). VCF-style: chrX-74740872-T-C. GRCh37 (hg19) VCF-style: chrX-73960707-T-C.
Other names: c.3685A>G (NM_001008537.2); short protein forms M1229V.
Identifiers: ClinVar variation 2112010 (VCV002112010.5), dbSNP rs1190841901, ClinGen allele CA413664976.
Genomic context (GRCh38, chrX:74,740,872, plus strand): 5'-TGGTTTGGCTTCCCCCACGGCCAATGCCAATTTGCATTTTCTCTCCATTGATGGCAGCCA[T>C]GTATTTCCCTTTCTTTGTGGACTTAGGGACCTGGCGGGAGTTTTTGCCAGGTGGTTTTTC-3'
Protein context (NP_001008537.1, residues 1219-1239): VPKSTKKGKY[Met1229Val]AAINGEKMQI